The following is an entry in ClinVar:

ClinVar aggregate classification (germline): not provided (0 of 4 stars; one submission).

Conditions:
Preeclampsia. Identifiers: Orphanet 275555, MedGen C0032914, MONDO:0005081, HP:0100602.

Submission:

Institute of Molecular and Cell Biology, University of Tartu
No classification provided. Condition: Preeclampsia. Review status: no classification provided. Collection method: case-control. Allele origin: unknown. Affected: yes. Study: Kasak2014.
Comment: The study aimed to determine the contribution of copy number variants in the genetic etiology of normal and complicated pregnancies. The samples represented (i) maternal blood DNA drawn from healthy pregnant women during 1st or 2nd trimester and (ii) maternal and paternal blood DNA drawn at term pregnancy cases representing normal and complicated gestations (severe preeclampsia, PE; gestational diabetes, GD; small-for-gestational age newborn, SGA; large-for-gestational age newborn, LGA). We performed CNV calling based on genome-wide genotyping dataset (Illumina HumanOmniExpress-24-v1 BeadChip) by applying three algorithms, QuantiSNP, GADA (Genome Alteration Detection Algorithm) and CNstream in parallel. The acquired CNV calls were merged with HD-CNV (Hotspot Detector for Copy Number Variants) program and only the CNVs predicted by at least two programs, were considered in subsequent analysis.

Literature cited by the submitters: PubMed 25666259.

Single allele

Genes: PSG1 (pregnancy specific beta-1-glycoprotein 1; minus strand), PSG6 (pregnancy specific beta-1-glycoprotein 6; minus strand), PSG7 (pregnancy specific beta-1-glycoprotein 7; minus strand). Cytogenetic location: 19q13.2-13.31.
Variant type: Deletion.
Identifiers: ClinVar variation 157452 (VCV000157452.2).